The following is an entry in ClinVar:

ClinVar aggregate classification (germline): Uncertain significance (1 of 4 stars; one submission).

Allele frequency attached by ClinVar (database versions not stated): gnomAD exomes 0.00001; ExAC 0.00003.
gnomAD v4.1: 14 of 1,614,230 alleles (0.00087%); highest among the groups gnomAD compares: South Asian, 0.0022%; no homozygotes.

Submission:

Labcorp Genetics (formerly Invitae), Labcorp
Classification: Uncertain significance. Last evaluated: 2023-11-19. Review status: criteria provided, single submitter. Criteria: Invitae Variant Classification Sherloc (09022015). Collection method: clinical testing. Allele origin: germline.
Comment: This sequence change replaces valine, which is neutral and non-polar, with methionine, which is neutral and non-polar, at codon 384 of the POLD2 protein (p.Val384Met). This variant is present in population databases (rs756163235, gnomAD 0.004%). This variant has not been reported in the literature in individuals affected with POLD2-related conditions. Experimental studies and prediction algorithms are not available or were not evaluated, and the functional significance of this variant is currently unknown. In summary, the available evidence is currently insufficient to determine the role of this variant in disease. Therefore, it has been classified as a Variant of Uncertain Significance.

NM_006230.4(POLD2):c.1045G>A (p.Val349Met)

Gene: POLD2 (DNA polymerase delta 2, accessory subunit; minus strand). Cytogenetic location: 7p13.
Variant type: single nucleotide variant.
Coding change: c.1045G>A on transcript NM_006230.4 (MANE Select); coding-DNA position 1045, G replaced by A.
Protein change: p.Val349Met; replaces valine 349 with methionine.
Molecular consequence: missense variant.
Genome position (GRCh38, 1-based): chr7:44,115,868, C>T on the plus strand (G>A on the coding strand, the complement: POLD2 is on the minus strand). VCF-style: chr7-44115868-C-T. GRCh37 (hg19) VCF-style: chr7-44155467-C-T.
Other names: c.1045G>A, p.Val349Met (NM_001127218.3, NM_001256879.2); short protein forms V349M.
Identifiers: ClinVar variation 2812313 (VCV002812313.3), dbSNP rs756163235, ClinGen allele CA4238647.